The following is an entry in ClinVar:

ClinVar aggregate classification (germline): Benign/Likely benign. Review status: criteria provided, multiple submitters, no conflicts (2 of 4 stars). 4 submissions from 4 submitters: Benign (1); Likely benign (3). Last evaluated 2024-09-10.

Conditions:
Inborn genetic diseases. Identifiers: MedGen C0950123, MeSH D030342.

Allele frequency attached by ClinVar (database versions not stated): ExAC 0.00004; gnomAD exomes 0.00007 and 0.00010; TOPMed 0.00011; gnomAD 0.00014.
gnomAD v4.1: 126 of 1,609,488 alleles (0.0078%); highest among the groups gnomAD compares: East Asian, 0.022%; no homozygotes.

Submissions (4):

Blueprint Genetics
Classification: Likely benign. Last evaluated: 2024-09-10. Review status: criteria provided, single submitter. Criteria: ACMG Guidelines, 2015. Collection method: clinical testing. Allele origin: germline.

Labcorp Genetics (formerly Invitae), Labcorp
Classification: Benign. Last evaluated: 2024-03-18. Review status: criteria provided, single submitter. Criteria: Invitae Variant Classification Sherloc (09022015). Collection method: clinical testing. Allele origin: germline.

Ambry Genetics
Classification: Likely benign for Inborn genetic diseases. Last evaluated: 2023-10-04. Review status: criteria provided, single submitter. Criteria: Ambry Variant Classification Scheme 2023. Collection method: clinical testing. Allele origin: germline.

GeneDx
Classification: Likely benign. Last evaluated: 2021-06-15. Review status: criteria provided, single submitter. Criteria: GeneDx Variant Classification Process June 2021. Collection method: clinical testing. Allele origin: germline. Affected: yes.
Comment: In silico analysis, which includes protein predictors and evolutionary conservation, supports that this variant does not alter protein structure/function; Has not been previously published as pathogenic or benign to our knowledge; This variant is associated with the following publications: (PMID: 27535533)

NM_018896.5(CACNA1G):c.860C>T (p.Thr287Met)

Gene: CACNA1G (calcium voltage-gated channel subunit alpha1 G; plus strand). Cytogenetic location: 17q21.33.
Variant type: single nucleotide variant.
Coding change: c.860C>T on transcript NM_018896.5 (MANE Select); coding-DNA position 860, C replaced by T.
Protein change: p.Thr287Met; replaces threonine 287 with methionine.
Molecular consequence: missense variant. On other transcripts: non-coding transcript variant (5).
Genome position (GRCh38, 1-based): chr17:50,572,667, C>T. VCF-style: chr17-50572667-C-T. GRCh37 (hg19) VCF-style: chr17-48650028-C-T.
Other names: c.860C>T (NM_018896.3); c.860C>T, p.Thr287Met (NM_001256324.2, NM_001256325.2, NM_001256326.2 and 24 more transcripts); short protein forms T287M.
Identifiers: ClinVar variation 1183456 (VCV001183456.9), dbSNP rs200872262, ClinGen allele CA8652048.